The following is an entry in ClinVar:

NM_019597.5(HNRNPH2):c.441T>C (p.Phe147=)

Genes: HNRNPH2 (heterogeneous nuclear ribonucleoprotein H2; plus strand), RPL36A-HNRNPH2 (RPL36A-HNRNPH2 readthrough; plus strand). Cytogenetic location: Xq22.1.
Variant type: single nucleotide variant.
Coding change: c.441T>C on transcript NM_019597.5 (MANE Select); coding-DNA position 441, T replaced by C.
Protein change: p.Phe147=; no amino-acid change (phenylalanine 147 retained).
Molecular consequence: synonymous variant. On other transcripts: 3 prime UTR variant (2).
Genome position (GRCh38, 1-based): chrX:101,412,429, T>C. VCF-style: chrX-101412429-T-C. GRCh37 (hg19) VCF-style: chrX-100667417-T-C.
Other names: c.*437T>C (NM_001199973.2, NM_001199974.2); c.441T>C, p.Phe147= (NM_001032393.3).
Identifiers: ClinVar variation 4874460 (VCV004874460.2).

ClinVar aggregate classification (germline): Likely benign (1 of 4 stars; one submission).

gnomAD v4.1: 2 of 1,210,765 alleles (0.00017%); highest among the groups gnomAD compares: Non-Finnish European, 0.00022%; no homozygotes.

Submission:

CeGaT Center for Human Genetics Tuebingen
Classification: Likely benign. Last evaluated: 2026-06-01. Review status: criteria provided, single submitter. Criteria: CeGaT Center For Human Genetics Tuebingen Variant Classification Criteria Version 2. Collection method: clinical testing. Allele origin: germline. Affected: yes. Observed: 1 variant allele.
Comment: HNRNPH2: BP4, BP7